The following is an entry in ClinVar:

ClinVar aggregate classification (germline): Uncertain significance (1 of 4 stars; one submission).

Submission:

GeneDx
Classification: Uncertain significance. Last evaluated: 2020-02-27. Review status: criteria provided, single submitter. Criteria: GeneDx Variant Classification Process June 2021. Collection method: clinical testing. Allele origin: germline. Affected: yes.
Comment: Not observed at a significant frequency in large population cohorts (Lek et al., 2016); In silico analysis supports that this missense variant does not alter protein structure/function; Has not been previously published as pathogenic or benign to our knowledge

NM_144585.4(SLC22A12):c.85A>G (p.Met29Val)

Gene: SLC22A12 (solute carrier family 22 member 12; plus strand). Cytogenetic location: 11q13.1.
Variant type: single nucleotide variant.
Coding change: c.85A>G on transcript NM_144585.4 (MANE Select); coding-DNA position 85, A replaced by G.
Protein change: p.Met29Val; replaces methionine 29 with valine.
Molecular consequence: missense variant. On other transcripts: intron variant (1).
Genome position (GRCh38, 1-based): chr11:64,591,641, A>G. VCF-style: chr11-64591641-A-G. GRCh37 (hg19) VCF-style: chr11-64359113-A-G.
Other names: c.85A>G, p.Met29Val (NM_001276326.2, NM_001276327.2); c.-406-18A>G (NM_153378.3); short protein forms M29V.
Identifiers: ClinVar variation 1315493 (VCV001315493.2), dbSNP rs149620216, ClinGen allele CA6076972.